The following is an entry in ClinVar:

NM_001134407.3(GRIN2A):c.1497+1G>T

Gene: GRIN2A (glutamate ionotropic receptor NMDA type subunit 2A; minus strand). Cytogenetic location: 16p13.2.
Variant type: single nucleotide variant.
Coding change: c.1497+1G>T on transcript NM_001134407.3 (MANE Select); the canonical splice donor site of the intron after coding-DNA position 1497, G replaced by T.
Molecular consequence: splice donor variant.
Genome position (GRCh38, 1-based): chr16:9,840,935, C>A on the plus strand (G>T on the coding strand, the complement: GRIN2A is on the minus strand). VCF-style: chr16-9840935-C-A. GRCh37 (hg19) VCF-style: chr16-9934792-C-A.
Other names: c.1497+1G>T (NM_001134408.2, NM_000833.5).
Identifiers: ClinVar variation 1069406 (VCV001069406.10), dbSNP rs2141344569, ClinGen allele CA394800513.

ClinVar aggregate classification (germline): Pathogenic/Likely pathogenic. Review status: criteria provided, multiple submitters, no conflicts (2 of 4 stars). 2 submissions from 2 submitters: Pathogenic (1); Likely pathogenic (1). Last evaluated 2020-10-05.

Conditions:
Landau-Kleffner syndrome (FESD). Also called: EPILEPSY, FOCAL, WITH SPEECH DISORDER AND WITH OR WITHOUT MENTAL RETARDATION; APHASIA, ACQUIRED, WITH EPILEPSY. Identifiers: Orphanet 1945, Orphanet 725, Orphanet 98818, MedGen C0282512, MONDO:0009509, OMIM 245570.

Submissions (2):

Mayo Clinic Laboratories, Mayo Clinic
Classification: Likely pathogenic. Last evaluated: 2020-10-05. Review status: criteria provided, single submitter. Criteria: ACMG Guidelines, 2015. Collection method: clinical testing. Allele origin: germline. Observed: 1 variant allele.
Comment: PVS1, PM2

Labcorp Genetics (formerly Invitae), Labcorp
Classification: Pathogenic for Landau-Kleffner syndrome. Last evaluated: 2020-02-18. Review status: criteria provided, single submitter. Criteria: Invitae Variant Classification Sherloc (09022015). Collection method: clinical testing. Allele origin: germline.
Comment: For these reasons, this variant has been classified as Pathogenic. Donor and acceptor splice site variants typically lead to a loss of protein function (PMID: 16199547), and loss-of-function variants in GRIN2A are known to be pathogenic (PMID: 23933819, 23933820). Algorithms developed to predict the effect of sequence changes on RNA splicing suggest that this variant may disrupt the consensus splice site, but this prediction has not been confirmed by published transcriptional studies. Disruption of this splice site has been observed in individual(s) with clinical features of GRIN2A-related conditions (PMID: 30544257, Invitae). This variant is not present in population databases (ExAC no frequency). This sequence change affects a donor splice site in intron 7 of the GRIN2A gene. It is expected to disrupt RNA splicing and likely results in an absent or disrupted protein product.

Literature cited by the submitters: PubMed 30544257 (cited by Mayo Clinic Laboratories, Mayo Clinic and Labcorp Genetics (formerly Invitae), Labcorp); PubMed 16199547 (cited by Labcorp Genetics (formerly Invitae), Labcorp); PubMed 23933819 (cited by Labcorp Genetics (formerly Invitae), Labcorp); PubMed 23933820 (cited by Labcorp Genetics (formerly Invitae), Labcorp).